The following is an entry in ClinVar:

NM_004004.6(GJB2):c.473A>G (p.Tyr158Cys)

Gene: GJB2 (gap junction protein beta 2; minus strand). Cytogenetic location: 13q12.11.
Variant type: single nucleotide variant.
Coding change: c.473A>G on transcript NM_004004.6 (MANE Select); coding-DNA position 473, A replaced by G.
Protein change: p.Tyr158Cys; replaces tyrosine 158 with cysteine.
Molecular consequence: missense variant.
Genome position (GRCh38, 1-based): chr13:20,189,109, T>C on the plus strand (A>G on the coding strand, the complement: GJB2 is on the minus strand). VCF-style: chr13-20189109-T-C. GRCh37 (hg19) VCF-style: chr13-20763248-T-C.
Other names: short protein forms Y158C.
Identifiers: ClinVar variation 4710060 (VCV004710060.1).

ClinVar aggregate classification (germline): Uncertain significance (1 of 4 stars; one submission).

Submission:

Labcorp Genetics (formerly Invitae), Labcorp
Classification: Uncertain significance. Last evaluated: 2025-03-30. Review status: criteria provided, single submitter. Criteria: Invitae Variant Classification Sherloc (09022015). Collection method: clinical testing. Allele origin: germline.
Comment: This sequence change replaces tyrosine, which is neutral and polar, with cysteine, which is neutral and slightly polar, at codon 158 of the GJB2 protein (p.Tyr158Cys). This variant is not present in population databases (gnomAD no frequency). This missense change has been observed in individual(s) with hearing loss (PMID: 17666888). Invitae Evidence Modeling of protein sequence and biophysical properties (such as structural, functional, and spatial information, amino acid conservation, physicochemical variation, residue mobility, and thermodynamic stability) indicates that this missense variant is expected to disrupt GJB2 protein function with a positive predictive value of 95%. In summary, the available evidence is currently insufficient to determine the role of this variant in disease. Therefore, it has been classified as a Variant of Uncertain Significance.

Literature cited by the submitters: PubMed 17666888.